The following is an entry in ClinVar:

NM_001029883.3(PCARE):c.1473G>C (p.Glu491Asp)

Gene: PCARE (photoreceptor cilium actin regulator; minus strand). Cytogenetic location: 2p23.2.
Variant type: single nucleotide variant.
Coding change: c.1473G>C on transcript NM_001029883.3 (MANE Select); coding-DNA position 1473, G replaced by C.
Protein change: p.Glu491Asp; replaces glutamic acid 491 with aspartic acid.
Molecular consequence: missense variant.
Genome position (GRCh38, 1-based): chr2:29,072,789, C>G on the plus strand (G>C on the coding strand, the complement: PCARE is on the minus strand). VCF-style: chr2-29072789-C-G. GRCh37 (hg19) VCF-style: chr2-29295655-C-G.
Other names: short protein forms E491D.
Identifiers: ClinVar variation 2101606 (VCV002101606.4), dbSNP rs906540657, ClinGen allele CA346480111.

ClinVar aggregate classification (germline): Uncertain significance (1 of 4 stars; one submission).

Allele frequency attached by ClinVar (database versions not stated): TOPMed 0.00001.

Submission:

Labcorp Genetics (formerly Invitae), Labcorp
Classification: Uncertain significance. Last evaluated: 2022-02-22. Review status: criteria provided, single submitter. Criteria: Invitae Variant Classification Sherloc (09022015). Collection method: clinical testing. Allele origin: germline.
Comment: In summary, the available evidence is currently insufficient to determine the role of this variant in disease. Therefore, it has been classified as a Variant of Uncertain Significance. Algorithms developed to predict the effect of missense changes on protein structure and function (SIFT, PolyPhen-2, Align-GVGD) all suggest that this variant is likely to be tolerated. This variant has not been reported in the literature in individuals affected with PCARE-related conditions. This variant is not present in population databases (gnomAD no frequency). This sequence change replaces glutamic acid, which is acidic and polar, with aspartic acid, which is acidic and polar, at codon 491 of the PCARE protein (p.Glu491Asp).